The following is an entry in ClinVar:

ClinVar aggregate classification (germline): Likely benign (0 of 4 stars; one submission).

Conditions:
PPFIA1-related disorder. Also called: PPFIA1-related condition.

Allele frequency attached by ClinVar (database versions not stated): gnomAD exomes 0.00004; ExAC 0.00014; TOPMed 0.00042; gnomAD 0.00044; ESP Exome Variant Server 0.00046; 1000 Genomes Project 0.00060; 1000 Genomes Project 30x 0.00078.
gnomAD v4.1: 123 of 1,613,822 alleles (0.0076%); highest among the groups gnomAD compares: African/African-American, 0.16%; no homozygotes.

Submission:

PreventionGenetics, part of Exact Sciences
Classification: Likely benign for PPFIA1-related condition. Last evaluated: 2019-06-11. Review status: no assertion criteria provided. Collection method: clinical testing. Allele origin: germline.
Comment: This variant is classified as likely benign based on ACMG/AMP sequence variant interpretation guidelines (Richards et al. 2015 PMID: 25741868, with internal and published modifications).

NM_003626.5(PPFIA1):c.1305A>G (p.Gln435=)

Gene: PPFIA1 (PTPRF interacting protein alpha 1; plus strand). Cytogenetic location: 11q13.3.
Variant type: single nucleotide variant.
Coding change: c.1305A>G on transcript NM_003626.5 (MANE Select); coding-DNA position 1305, A replaced by G.
Protein change: p.Gln435=; no amino-acid change (glutamine 435 retained).
Molecular consequence: synonymous variant. On other transcripts: non-coding transcript variant (1).
Genome position (GRCh38, 1-based): chr11:70,335,571, A>G. VCF-style: chr11-70335571-A-G. GRCh37 (hg19) VCF-style: chr11-70181677-A-G.
Other names: c.1380A>G, p.Gln460= (NM_001378006.1); c.1305A>G, p.Gln435= (NM_177423.3).
Identifiers: ClinVar variation 3034227 (VCV003034227.2), dbSNP rs142762894, ClinGen allele CA6158953.